The following is an entry in ClinVar:

NM_000809.4(GABRA4):c.820T>A (p.Ser274Thr)

Gene: GABRA4 (gamma-aminobutyric acid type A receptor subunit alpha4; minus strand). Cytogenetic location: 4p12.
Variant type: single nucleotide variant.
Coding change: c.820T>A on transcript NM_000809.4 (MANE Select); coding-DNA position 820, T replaced by A.
Protein change: p.Ser274Thr; replaces serine 274 with threonine.
Molecular consequence: missense variant. On other transcripts: intron variant (1).
Genome position (GRCh38, 1-based): chr4:46,971,137, A>T on the plus strand (T>A on the coding strand, the complement: GABRA4 is on the minus strand). VCF-style: chr4-46971137-A-T. GRCh37 (hg19) VCF-style: chr4-46973154-A-T.
Other names: c.763T>A, p.Ser255Thr (NM_001204266.2); c.664+3095T>A (NM_001204267.2); short protein forms S255T, S274T.
Identifiers: ClinVar variation 4537986 (VCV004537986.1).

ClinVar aggregate classification (germline): Uncertain significance (1 of 4 stars; one submission).

Submission:

GeneDx
Classification: Uncertain significance. Last evaluated: 2025-06-10. Review status: criteria provided, single submitter. Criteria: GeneDx Variant Classification Process June 2021. Collection method: clinical testing. Allele origin: germline. Affected: yes.
Comment: Not observed at significant frequency in large population cohorts (gnomAD); In silico analysis supports that this missense variant has a deleterious effect on protein structure/function; Has not been previously published as pathogenic or benign to our knowledge